The following is an entry in ClinVar:

NM_020708.5(SLC12A5):c.1168C>G (p.Pro390Ala)

Gene: SLC12A5 (solute carrier family 12 member 5; plus strand). Cytogenetic location: 20q13.12.
Variant type: single nucleotide variant.
Coding change: c.1168C>G on transcript NM_020708.5 (MANE Select); coding-DNA position 1168, C replaced by G.
Protein change: p.Pro390Ala; replaces proline 390 with alanine.
Molecular consequence: missense variant.
Genome position (GRCh38, 1-based): chr20:46,043,254, C>G. VCF-style: chr20-46043254-C-G. GRCh37 (hg19) VCF-style: chr20-44671893-C-G.
Other names: c.1237C>G, p.Pro413Ala (NM_001134771.2); short protein forms P390A, P413A.
Identifiers: ClinVar variation 1969858 (VCV001969858.5), dbSNP rs2084563877, ClinGen allele CA409191997.
Genomic context (GRCh38, chr20:46,043,254, plus strand): 5'-GAGAGGAGTGGGATGACCTCGGTGGGCCTGGCCGATGGCACTCCTATCGACATGGACCAC[C>G]CTTATGTCTTCAGTGATATGACCTCCTACTTCACCCTGCTGGTTGGCATCTACTTCCCCT-3'
Protein context (NP_065759.1, residues 380-400): ADGTPIDMDH[Pro390Ala]YVFSDMTSYF

ClinVar aggregate classification (germline): Uncertain significance (1 of 4 stars; one submission).

Conditions:
Developmental and epileptic encephalopathy, 34 (DEE34). Also called: SLC12A5-Related Epilepsy of Infancy with Migrating Focal Seizures; Early infantile epileptic encephalopathy 34. Identifiers: Orphanet 293181, MedGen C4225257, MONDO:0014718, OMIM 616645.

Submission:

Labcorp Genetics (formerly Invitae), Labcorp
Classification: Uncertain significance for Developmental and epileptic encephalopathy, 34. Last evaluated: 2022-08-04. Review status: criteria provided, single submitter. Criteria: Invitae Variant Classification Sherloc (09022015). Collection method: clinical testing. Allele origin: germline.
Comment: This variant has not been reported in the literature in individuals affected with SLC12A5-related conditions. This variant is not present in population databases (gnomAD no frequency). This sequence change replaces proline, which is neutral and non-polar, with alanine, which is neutral and non-polar, at codon 390 of the SLC12A5 protein (p.Pro390Ala). Advanced modeling of protein sequence and biophysical properties (such as structural, functional, and spatial information, amino acid conservation, physicochemical variation, residue mobility, and thermodynamic stability) performed at Invitae indicates that this missense variant is not expected to disrupt SLC12A5 protein function. In summary, the available evidence is currently insufficient to determine the role of this variant in disease. Therefore, it has been classified as a Variant of Uncertain Significance.